The following is an entry in ClinVar:

NM_001205293.3(CACNA1E):c.5236C>T (p.Arg1746Cys)

Gene: CACNA1E (calcium voltage-gated channel subunit alpha1 E; plus strand). Cytogenetic location: 1q25.3.
Variant type: single nucleotide variant.
Coding change: c.5236C>T on transcript NM_001205293.3 (MANE Select); coding-DNA position 5236, C replaced by T.
Protein change: p.Arg1746Cys; replaces arginine 1746 with cysteine.
Molecular consequence: missense variant.
Genome position (GRCh38, 1-based): chr1:181,776,197, C>T. VCF-style: chr1-181776197-C-T. GRCh37 (hg19) VCF-style: chr1-181745333-C-T.
Other names: c.5236C>T, p.Arg1746Cys (NM_000721.4); c.5179C>T, p.Arg1727Cys (NM_001205294.2); short protein forms R1727C, R1746C.
Identifiers: ClinVar variation 1686732 (VCV001686732.3), dbSNP rs777149894, ClinGen allele CA1276044.

ClinVar aggregate classification (germline): Uncertain significance (1 of 4 stars; one submission).

Allele frequency attached by ClinVar (database versions not stated): gnomAD exomes below 0.00001; ExAC 0.00001.
gnomAD v4.1: 2 of 1,614,000 alleles (0.00012%); highest among the groups gnomAD compares: Non-Finnish European, 0.00017%; no homozygotes.

Submission:

GeneDx
Classification: Uncertain significance. Last evaluated: 2022-10-19. Review status: criteria provided, single submitter. Criteria: GeneDx Variant Classification Process June 2021. Collection method: clinical testing. Allele origin: germline.
Comment: Not observed at significant frequency in large population cohorts (gnomAD); In silico analysis supports that this missense variant has a deleterious effect on protein structure/function; Has not been previously published as pathogenic or benign to our knowledge